The following is an entry in ClinVar:

ClinVar aggregate classification (germline): Pathogenic/Likely pathogenic. Review status: criteria provided, multiple submitters, no conflicts (2 of 4 stars). 6 submissions from 6 submitters: Pathogenic (3); Likely pathogenic (1). 2 of the submissions do not count toward it. Last evaluated 2025-06-04.

Conditions:
Malignant tumor of urinary bladder. Also called: Bladder cancer; Urinary bladder cancer; Urinary Bladder Neoplasms. Identifiers: MedGen C0005684, MONDO:0001187, OMIM 109800.
Gastric cancer. Also called: Stomach cancer; Malignant tumor of stomach. Identifiers: MedGen C0024623, MeSH D013274, MONDO:0001056, OMIM 613659, HP:0012126.
Hereditary cancer-predisposing syndrome. Also called: Tumor predisposition; Neoplastic Syndromes, Hereditary; Hereditary Cancer Syndrome; Hereditary neoplastic syndrome. Identifiers: Orphanet 140162, MedGen C0027672, MeSH D009386, MONDO:0015356.
Familial cancer of breast. Also called: Hereditary breast cancer; BREAST CANCER, FAMILIAL; hereditary breast carcinoma. Identifiers: Orphanet 227535, MedGen C0346153, MONDO:0016419, OMIM 114480. Disease mechanism: loss of function.
Ataxia-telangiectasia syndrome (AT). Also called: ATAXIA-TELANGIECTASIA, COMPLEMENTATION GROUP A; ATAXIA-TELANGIECTASIA, FRESNO VARIANT; Ataxia-telangiectasia; Ataxia-telangiectasia, complementation group D; AT, COMPLEMENTATION GROUP C; Ataxia-telangiectasia, complementation group E. Identifiers: Orphanet 100, MedGen C0004135, MONDO:0008840, OMIM 208900.

Allele frequency attached by ClinVar (database versions not stated): gnomAD exomes below 0.00001.
gnomAD v4.1: 2 of 1,614,170 alleles (0.00012%); highest among the groups gnomAD compares: South Asian, 0.0011%; no homozygotes.

Submissions (6):

Women's Health and Genetics/Laboratory Corporation of America, LabCorp
Classification: Pathogenic for Ataxia-telangiectasia syndrome. Last evaluated: 2025-06-04. Review status: criteria provided, single submitter. Criteria: LabCorp Variant Classification Summary - May 2015. Collection method: clinical testing. Allele origin: germline.
Comment: Variant summary: ATM c.9112C>T (p.Gln3038X) results in a premature termination codon, predicted to cause a truncation of the encoded protein or absence of the protein, which are commonly known mechanisms for disease. Variant downstream of this position (p.Arg3047X) has been classfied pathogenic by our lab. The variant was absent in 251446 control chromosomes. To our knowledge, no occurrence of c.9112C>T in individuals affected with Ataxia-Telangiectasia and no experimental evidence demonstrating its impact on protein function have been reported. ClinVar contains an entry for this variant (Variation ID: 847080). Based on the evidence outlined above, the variant was classified as pathogenic.

Ambry Genetics
Classification: Likely pathogenic for Hereditary cancer-predisposing syndrome. Last evaluated: 2025-04-10. Review status: criteria provided, single submitter. Criteria: Ambry Variant Classification Scheme 2023. Collection method: clinical testing. Allele origin: germline.
Comment: The p.Q3038* variant (also known as c.9112C>T), located in coding exon 62 of the ATM gene, results from a C to T substitution at nucleotide position 9112. This changes the amino acid from a glutamine to a stop codon within coding exon 62. This alteration occurs at the 3' terminus of theATM gene, is not expected to trigger nonsense-mediated mRNA decay, and only impacts the last 19 amino acids of the protein. However, premature stop codons are typically deleterious in nature and the impacted region is critical for protein function (Ambry internal data). This variant is considered to be rare based on population cohorts in the Genome Aggregation Database (gnomAD). Based on the majority of available evidence to date, this variant is likely to be pathogenic.

Labcorp Genetics (formerly Invitae), Labcorp
Classification: Pathogenic for Ataxia-telangiectasia syndrome. Last evaluated: 2024-08-31. Review status: criteria provided, single submitter. Criteria: Invitae Variant Classification Sherloc (09022015). Collection method: clinical testing. Allele origin: germline.
Comment: This sequence change creates a premature translational stop signal (p.Gln3038*) in the ATM gene. While this is not anticipated to result in nonsense mediated decay, it is expected to disrupt the last 19 amino acid(s) of the ATM protein. This variant is not present in population databases (gnomAD no frequency). This variant has not been reported in the literature in individuals affected with ATM-related conditions. ClinVar contains an entry for this variant (Variation ID: 847080). Experimental studies and prediction algorithms are not available or were not evaluated, and the functional significance of this variant is currently unknown. RNA analysis performed to evaluate the impact of this premature translational stop signal on mRNA splicing indicates it does not significantly alter splicing (internal data). This variant disrupts a region of the ATM protein in which other variant(s) (p.Arg3047*) have been determined to be pathogenic (PMID: 8755918, 10980530, 18560558, 19431188, 19691550, 26628246). This suggests that this is a clinically significant region of the protein, and that variants that disrupt it are likely to be disease-causing. For these reasons, this variant has been classified as Pathogenic.

Myriad Genetics, Inc.
Classification: Pathogenic for Familial cancer of breast. Last evaluated: 2024-02-06. Review status: criteria provided, single submitter. Criteria: Myriad Autosomal Dominant, Autosomal Recessive and X-Linked Classification Criteria (2023). Collection method: clinical testing. Allele origin: unknown.
Comment: This variant is considered pathogenic. This variant creates a termination codon and is predicted to result in premature protein truncation.

Laboratory for Genotyping Development, RIKEN
Classification: Pathogenic for Gastric cancer. Last evaluated: 2021-07-01. Review status: no assertion criteria provided. Collection method: research. Allele origin: germline. Not counted in ClinVar's aggregate classification.

Laboratory of Urology, Hospital Clinic de Barcelona
Classification: Pathogenic for Malignant tumor of urinary bladder. Review status: no assertion criteria provided. Collection method: research. Allele origin: somatic. Affected: yes. Not counted in ClinVar's aggregate classification.

Literature cited by the submitters: PubMed 8755918 (cited by Labcorp Genetics (formerly Invitae), Labcorp); PubMed 10980530 (cited by Labcorp Genetics (formerly Invitae), Labcorp); PubMed 18560558 (cited by Labcorp Genetics (formerly Invitae), Labcorp); PubMed 19431188 (cited by Labcorp Genetics (formerly Invitae), Labcorp); PubMed 19691550 (cited by Labcorp Genetics (formerly Invitae), Labcorp); PubMed 26628246 (cited by Labcorp Genetics (formerly Invitae), Labcorp); PubMed 36988593 (cited by Laboratory for Genotyping Development, RIKEN).

NM_000051.4(ATM):c.9112C>T (p.Gln3038Ter)

Genes: ATM (ATM serine/threonine kinase; plus strand), C11orf65 (chromosome 11 open reading frame 65; minus strand). Cytogenetic location: 11q22.3.
Variant type: single nucleotide variant.
Coding change: c.9112C>T on transcript NM_000051.4 (MANE Select); coding-DNA position 9112, C replaced by T.
Protein change: p.Gln3038Ter; replaces glutamine 3038 with a stop codon.
Molecular consequence: nonsense. On other transcripts: intron variant (2).
Genome position (GRCh38, 1-based): chr11:108,365,449, C>T. VCF-style: chr11-108365449-C-T. GRCh37 (hg19) VCF-style: chr11-108236176-C-T.
Other names: c.9112C>T, p.Gln3038Ter (NM_001351834.2); c.640+20471G>A (NM_001330368.2); c.694+20471G>A (NM_001351110.2); short protein forms Q3038*.
Identifiers: ClinVar variation 847080 (VCV000847080.26), dbSNP rs1591387978, ClinGen allele CA382531991.